The following is an entry in ClinVar:

ClinVar aggregate classification (germline): Uncertain significance (1 of 4 stars; one submission).

Conditions:
Cardiovascular phenotype. Identifiers: MedGen CN230736.

Allele frequency attached by ClinVar (database versions not stated): gnomAD exomes below 0.00001.
gnomAD v4.1: 2 of 1,416,552 alleles (0.00014%); highest among the groups gnomAD compares: Non-Finnish European, 0.000095%; no homozygotes.

Submission:

Ambry Genetics
Classification: Uncertain significance for Cardiovascular phenotype. Last evaluated: 2022-07-06. Review status: criteria provided, single submitter. Criteria: Ambry Variant Classification Scheme 2023. Collection method: clinical testing. Allele origin: germline.
Comment: The p.S319A variant (also known as c.955T>G), located in coding exon 8 of the AKAP9 gene, results from a T to G substitution at nucleotide position 955. The serine at codon 319 is replaced by alanine, an amino acid with similar properties. This amino acid position is conserved. In addition, this alteration is predicted to be tolerated by in silico analysis. Since supporting evidence is limited at this time, the clinical significance of this alteration remains unclear.

NM_005751.5(AKAP9):c.955T>G (p.Ser319Ala)

Gene: AKAP9 (A-kinase anchoring protein 9; plus strand). Cytogenetic location: 7q21.2.
Variant type: single nucleotide variant.
Coding change: c.955T>G on transcript NM_005751.5 (MANE Select); coding-DNA position 955, T replaced by G.
Protein change: p.Ser319Ala; replaces serine 319 with alanine.
Molecular consequence: missense variant.
Genome position (GRCh38, 1-based): chr7:92,000,872, T>G. VCF-style: chr7-92000872-T-G. GRCh37 (hg19) VCF-style: chr7-91630186-T-G.
Other names: c.955T>G, p.Ser319Ala (NM_147185.3); short protein forms S319A.
Identifiers: ClinVar variation 1767392 (VCV001767392.2), dbSNP rs2484688473, ClinGen allele CA368120667.